The following is an entry in ClinVar:

ClinVar aggregate classification (germline): Uncertain significance (1 of 4 stars; one submission).

gnomAD v4.1: 15 of 1,613,922 alleles (0.00093%); highest among the groups gnomAD compares: Non-Finnish European, 0.0011%; no homozygotes.

Submission:

GeneDx
Classification: Uncertain significance. Last evaluated: 2024-09-26. Review status: criteria provided, single submitter. Criteria: GeneDx Variant Classification Process June 2021. Collection method: clinical testing. Allele origin: germline. Affected: yes.
Comment: Not observed at significant frequency in large population cohorts (gnomAD); In silico analysis supports that this missense variant has a deleterious effect on protein structure/function; Has not been previously published as pathogenic or benign to our knowledge

NM_015378.4(VPS13D):c.12280G>T (p.Val4094Phe)

Gene: VPS13D (vacuolar protein sorting 13 homolog D; plus strand). Cytogenetic location: 1p36.22.
Variant type: single nucleotide variant.
Coding change: c.12280G>T on transcript NM_015378.4 (MANE Select); coding-DNA position 12280, G replaced by T.
Protein change: p.Val4094Phe; replaces valine 4094 with phenylalanine.
Molecular consequence: missense variant.
Genome position (GRCh38, 1-based): chr1:12,416,774, G>T. VCF-style: chr1-12416774-G-T. GRCh37 (hg19) VCF-style: chr1-12476827-G-T.
Other names: c.12205G>T, p.Val4069Phe (NM_018156.4); short protein forms V4069F, V4094F.
Identifiers: ClinVar variation 3774810 (VCV003774810.1).